The following is an entry in ClinVar:

NM_000283.4(PDE6B):c.2528G>A (p.Gly843Asp)

Gene: PDE6B (phosphodiesterase 6B; plus strand). Cytogenetic location: 4p16.3.
Variant type: single nucleotide variant.
Coding change: c.2528G>A on transcript NM_000283.4 (MANE Select); coding-DNA position 2528, G replaced by A.
Protein change: p.Gly843Asp; replaces glycine 843 with aspartic acid.
Molecular consequence: missense variant. On other transcripts: synonymous variant (2).
Genome position (GRCh38, 1-based): chr4:670,070, G>A. VCF-style: chr4-670070-G-A. GRCh37 (hg19) VCF-style: chr4-663859-G-A.
Other names: c.2525G>A, p.Gly842Asp (NM_001145291.2); c.1691G>A, p.Gly564Asp (NM_001145292.2, NM_001379246.1, NM_001379247.1); c.1626G>A, p.Arg542= (NM_001350154.3); c.1308G>A, p.Arg436= (NM_001350155.3); short protein forms G842D, G564D, G843D.
Identifiers: ClinVar variation 3696059 (VCV003696059.2).

ClinVar aggregate classification (germline): Uncertain significance (1 of 4 stars; one submission).

gnomAD v4.1: 2 of 1,613,102 alleles (0.00012%); highest among the groups gnomAD compares: African/African-American, 0.0013%; no homozygotes.

Submission:

Labcorp Genetics (formerly Invitae), Labcorp
Classification: Uncertain significance. Last evaluated: 2024-03-01. Review status: criteria provided, single submitter. Criteria: Invitae Variant Classification Sherloc (09022015). Collection method: clinical testing. Allele origin: germline.
Comment: This sequence change replaces glycine, which is neutral and non-polar, with aspartic acid, which is acidic and polar, at codon 843 of the PDE6B protein (p.Gly843Asp). This variant is present in population databases (rs752232854, gnomAD 0.003%). This variant has not been reported in the literature in individuals affected with PDE6B-related conditions. Algorithms developed to predict the effect of missense changes on protein structure and function output the following: SIFT: "Not Available"; PolyPhen-2: "Benign"; Align-GVGD: "Not Available". The aspartic acid amino acid residue is found in multiple mammalian species, which suggests that this missense change does not adversely affect protein function. In summary, the available evidence is currently insufficient to determine the role of this variant in disease. Therefore, it has been classified as a Variant of Uncertain Significance.